The following is an entry in ClinVar:

NM_176787.5(PIGN):c.1909T>A (p.Ser637Thr)

Gene: PIGN (phosphatidylinositol glycan anchor biosynthesis class N; minus strand). Cytogenetic location: 18q21.33.
Variant type: single nucleotide variant.
Coding change: c.1909T>A on transcript NM_176787.5 (MANE Select); coding-DNA position 1909, T replaced by A.
Protein change: p.Ser637Thr; replaces serine 637 with threonine.
Molecular consequence: missense variant.
Genome position (GRCh38, 1-based): chr18:62,102,853, A>T on the plus strand (T>A on the coding strand, the complement: PIGN is on the minus strand). VCF-style: chr18-62102853-A-T. GRCh37 (hg19) VCF-style: chr18-59770086-A-T.
Other names: c.1909T>A, p.Ser637Thr (NM_012327.6); short protein forms S637T.
Identifiers: ClinVar variation 2304229 (VCV002304229.4), dbSNP rs1329642478, ClinGen allele CA402604075.

ClinVar aggregate classification (germline): Uncertain significance. Review status: criteria provided, multiple submitters, no conflicts (2 of 4 stars). 2 submissions from 2 submitters: Uncertain significance (2). Last evaluated 2025-06-12.

Conditions:
Inborn genetic diseases. Identifiers: MedGen C0950123, MeSH D030342.

Allele frequency attached by ClinVar (database versions not stated): TOPMed 0.00001.

Submissions (2):

GeneDx
Classification: Uncertain significance. Last evaluated: 2025-06-12. Review status: criteria provided, single submitter. Criteria: GeneDx Variant Classification Process June 2021. Collection method: clinical testing. Allele origin: germline. Affected: yes.
Comment: Not observed at significant frequency in large population cohorts (gnomAD); In silico analysis suggests that this missense variant does not alter protein structure/function; Has not been previously published as pathogenic or benign to our knowledge

Ambry Genetics
Classification: Uncertain significance for Inborn genetic diseases. Last evaluated: 2025-06-06. Review status: criteria provided, single submitter. Criteria: Ambry Variant Classification Scheme 2023. Collection method: clinical testing. Allele origin: germline.